The following is an entry in ClinVar:

ClinVar aggregate classification (germline): Uncertain significance. Review status: criteria provided, multiple submitters, no conflicts (2 of 4 stars). 2 submissions from 2 submitters: Uncertain significance (2). Last evaluated 2025-11-24.

Conditions:
Gorlin syndrome. Also called: Nevoid Basal Cell Carcinoma Syndrome; Basal cell nevus syndrome. Identifiers: Orphanet 377, MedGen C0004779, MONDO:0007187.
Hereditary cancer-predisposing syndrome. Also called: Hereditary neoplastic syndrome; Hereditary Cancer Syndrome; Neoplastic Syndromes, Hereditary; Tumor predisposition. Identifiers: Orphanet 140162, MedGen C0027672, MeSH D009386, MONDO:0015356.

Submissions (2):

Ambry Genetics
Classification: Uncertain significance for Hereditary cancer-predisposing syndrome. Last evaluated: 2025-11-24. Review status: criteria provided, single submitter. Criteria: Ambry Variant Classification Scheme 2023. Collection method: clinical testing. Allele origin: germline.
Comment: The p.E1224Q variant (also known as c.3670G>C), located in coding exon 22 of the PTCH1 gene, results from a G to C substitution at nucleotide position 3670. The glutamic acid at codon 1224 is replaced by glutamine, an amino acid with highly similar properties. This amino acid position is conserved. In addition, the in silico prediction for this alteration is inconclusive. Based on the available evidence, the clinical significance of this variant remains unclear.

Labcorp Genetics (formerly Invitae), Labcorp
Classification: Uncertain significance for Gorlin syndrome. Last evaluated: 2023-09-22. Review status: criteria provided, single submitter. Criteria: Invitae Variant Classification Sherloc (09022015). Collection method: clinical testing. Allele origin: germline.
Comment: In summary, the available evidence is currently insufficient to determine the role of this variant in disease. Therefore, it has been classified as a Variant of Uncertain Significance. Advanced modeling of protein sequence and biophysical properties (such as structural, functional, and spatial information, amino acid conservation, physicochemical variation, residue mobility, and thermodynamic stability) performed at Invitae indicates that this missense variant is not expected to disrupt PTCH1 protein function. This variant has not been reported in the literature in individuals affected with PTCH1-related conditions. This variant is not present in population databases (gnomAD no frequency). This sequence change replaces glutamic acid, which is acidic and polar, with glutamine, which is neutral and polar, at codon 1224 of the PTCH1 protein (p.Glu1224Gln).

NM_000264.5(PTCH1):c.3670G>C (p.Glu1224Gln)

Gene: PTCH1 (patched 1; minus strand). Cytogenetic location: 9q22.32.
Variant type: single nucleotide variant.
Coding change: c.3670G>C on transcript NM_000264.5 (MANE Select); coding-DNA position 3670, G replaced by C.
Protein change: p.Glu1224Gln; replaces glutamic acid 1224 with glutamine.
Molecular consequence: missense variant. On other transcripts: non-coding transcript variant (1).
Genome position (GRCh38, 1-based): chr9:95,449,203, C>G on the plus strand (G>C on the coding strand, the complement: PTCH1 is on the minus strand). VCF-style: chr9-95449203-C-G. GRCh37 (hg19) VCF-style: chr9-98211485-C-G.
Other names: c.3472G>C, p.Glu1158Gln (NM_001083602.3); c.3667G>C, p.Glu1223Gln (NM_001083603.3); c.3217G>C, p.Glu1073Gln (NM_001083604.3, NM_001083605.3, NM_001083606.3 and 1 more transcripts); c.3514G>C, p.Glu1172Gln (NM_001354918.2); short protein forms E1172Q, E1073Q, E1158Q, E1223Q, E1224Q.
Identifiers: ClinVar variation 2762686 (VCV002762686.4), dbSNP rs2538014404, ClinGen allele CA374111181.